The following is an entry in ClinVar:

NM_021800.3(DNAJC12):c.430G>A (p.Ala144Thr)

Gene: DNAJC12 (DnaJ heat shock protein family (Hsp40) member C12; minus strand). Cytogenetic location: 10q21.3.
Variant type: single nucleotide variant.
Coding change: c.430G>A on transcript NM_021800.3 (MANE Select); coding-DNA position 430, G replaced by A.
Protein change: p.Ala144Thr; replaces alanine 144 with threonine.
Molecular consequence: missense variant.
Genome position (GRCh38, 1-based): chr10:67,805,655, C>T on the plus strand (G>A on the coding strand, the complement: DNAJC12 is on the minus strand). VCF-style: chr10-67805655-C-T. GRCh37 (hg19) VCF-style: chr10-69565413-C-T.
Other names: short protein forms A144T.
Identifiers: ClinVar variation 785319 (VCV000785319.15), dbSNP rs74142901, ClinGen allele CA5520810.

ClinVar aggregate classification (germline): Conflicting classifications of pathogenicity. Review status: criteria provided, conflicting classifications (1 of 4 stars). 4 submissions from 4 submitters: Uncertain significance (1); Likely benign (3). Last evaluated 2026-02-01.

Conditions:
Hyperphenylalaninemia due to DNAJC12 deficiency. Also called: Hyperphenylalaninemia, mild, non-bh4-deficient. Identifiers: Orphanet 508523, MedGen C4479270, MONDO:0044304, OMIM 617384.

Allele frequency attached by ClinVar (database versions not stated): TOPMed 0.00131; 1000 Genomes Project 0.00140; 1000 Genomes Project 30x 0.00141; ESP Exome Variant Server 0.00154.

Submissions (4):

CeGaT Center for Human Genetics Tuebingen
Classification: Likely benign. Last evaluated: 2026-02-01. Review status: criteria provided, single submitter. Criteria: CeGaT Center For Human Genetics Tuebingen Variant Classification Criteria Version 2. Collection method: clinical testing. Allele origin: germline. Affected: yes. Observed: 1 variant allele.
Comment: DNAJC12: BP4

Labcorp Genetics (formerly Invitae), Labcorp
Classification: Likely benign. Last evaluated: 2026-01-16. Review status: criteria provided, single submitter. Criteria: Invitae Variant Classification Sherloc (09022015). Collection method: clinical testing. Allele origin: germline.

Daryl Scott Lab, Baylor College of Medicine
Classification: Uncertain significance for Hyperphenylalaninemia due to DNAJC12 deficiency. Last evaluated: 2024-01-01. Review status: criteria provided, single submitter. Criteria: ACMG Guidelines, 2015. Collection method: clinical testing. Allele origin: maternal. Affected: yes. Observed: 1 heterozygote.
Comment: BP4, PM3

Breakthrough Genomics
Classification: Likely benign. Review status: criteria provided, single submitter. Criteria: ACMG Guidelines, 2015. Collection method: not provided. Allele origin: germline. Inheritance: Autosomal recessive inheritance. Affected: yes.